The following is an entry in ClinVar:

ClinVar aggregate classification (germline): Uncertain significance. Review status: criteria provided, multiple submitters, no conflicts (2 of 4 stars). 2 submissions from 2 submitters: Uncertain significance (2). Last evaluated 2025-10-01.

Conditions:
Spastic paraplegia. Identifiers: MedGen C0037772, HP:0001258.

Allele frequency attached by ClinVar (database versions not stated): gnomAD exomes 0.00001; ExAC 0.00004; gnomAD 0.00014; TOPMed 0.00019; ESP Exome Variant Server 0.00023.
gnomAD v4.1: 43 of 1,613,156 alleles (0.0027%); highest among the groups gnomAD compares: African/African-American, 0.045%; no homozygotes.

Submissions (2):

Mayo Clinic Laboratories, Mayo Clinic
Classification: Uncertain significance. Last evaluated: 2025-10-01. Review status: criteria provided, single submitter. Criteria: ACMG Guidelines, 2015. Collection method: clinical testing. Allele origin: germline. Observed: 1 variant allele.
Comment: PP3

Labcorp Genetics (formerly Invitae), Labcorp
Classification: Uncertain significance for Spastic paraplegia. Last evaluated: 2023-09-22. Review status: criteria provided, single submitter. Criteria: Invitae Variant Classification Sherloc (09022015). Collection method: clinical testing. Allele origin: germline.
Comment: This sequence change replaces serine, which is neutral and polar, with alanine, which is neutral and non-polar, at codon 252 of the HSPD1 protein (p.Ser252Ala). This variant is present in population databases (rs145059267, gnomAD 0.03%). This variant has not been reported in the literature in individuals affected with HSPD1-related conditions. Advanced modeling of protein sequence and biophysical properties (such as structural, functional, and spatial information, amino acid conservation, physicochemical variation, residue mobility, and thermodynamic stability) performed at Invitae indicates that this missense variant is not expected to disrupt HSPD1 protein function. In summary, the available evidence is currently insufficient to determine the role of this variant in disease. Therefore, it has been classified as a Variant of Uncertain Significance.

NM_002156.5(HSPD1):c.754T>G (p.Ser252Ala)

Gene: HSPD1 (heat shock protein family D (Hsp60) member 1; minus strand). Cytogenetic location: 2q33.1.
Variant type: single nucleotide variant.
Coding change: c.754T>G on transcript NM_002156.5 (MANE Select); coding-DNA position 754, T replaced by G.
Protein change: p.Ser252Ala; replaces serine 252 with alanine.
Molecular consequence: missense variant.
Genome position (GRCh38, 1-based): chr2:197,493,439, A>C on the plus strand (T>G on the coding strand, the complement: HSPD1 is on the minus strand). VCF-style: chr2-197493439-A-C. GRCh37 (hg19) VCF-style: chr2-198358163-A-C.
Other names: p.Ser252Ala; c.754T>G, p.Ser252Ala (NM_199440.2); short protein forms S252A.
Identifiers: ClinVar variation 2882695 (VCV002882695.4), dbSNP rs145059267, ClinGen allele CA2043508.
Genomic context (GRCh38, chr2:197,493,439, plus strand): 5'-CCAAAGGCTTACGGTGAGCATTGGCAATTTCAAGAGCAGGTACAATGGACTGGATACTAG[A>C]AATTTTCTTTTCACTCAACAGAACATAGGCATCCTGGAATTCACATTTCTGACCTGTAAA-3'
Protein context (NP_002147.2, residues 242-262): AYVLLSEKKI[Ser252Ala]SIQSIVPALE